The following is an entry in ClinVar:

NM_003482.4(KMT2D):c.4593T>C (p.His1531=)

Gene: KMT2D (lysine methyltransferase 2D; minus strand). Cytogenetic location: 12q13.12.
Variant type: single nucleotide variant.
Coding change: c.4593T>C on transcript NM_003482.4 (MANE Select); coding-DNA position 4593, T replaced by C.
Protein change: p.His1531=; no amino-acid change (histidine 1531 retained).
Molecular consequence: synonymous variant.
Genome position (GRCh38, 1-based): chr12:49,046,165, A>G on the plus strand (T>C on the coding strand, the complement: KMT2D is on the minus strand). VCF-style: chr12-49046165-A-G. GRCh37 (hg19) VCF-style: chr12-49439948-A-G.
Identifiers: ClinVar variation 3051874 (VCV003051874.3), dbSNP rs757074598, ClinGen allele CA6547787.

ClinVar aggregate classification (germline): Benign. Review status: criteria provided, single submitter (1 of 4 stars). 2 submissions from 2 submitters: Benign (1). 1 of the submissions does not count toward it. Last evaluated 2025-11-02.

Conditions:
KMT2D-related disorder. Also called: KMT2D-Related Disorders.
Kabuki syndrome. Also called: NIIKAWA-KUROKI SYNDROME; Kabuki make-up syndrome. Identifiers: Orphanet 2322, MedGen C0796004, MONDO:0016512.

Allele frequency attached by ClinVar (database versions not stated): gnomAD 0.00001; TOPMed 0.00001; gnomAD exomes 0.00002; ExAC 0.00004.
gnomAD v4.1: 33 of 1,611,622 alleles (0.002%); highest among the groups gnomAD compares: Admixed American, 0.01%; no homozygotes.

Submissions (2):

Labcorp Genetics (formerly Invitae), Labcorp
Classification: Benign for Kabuki syndrome. Last evaluated: 2025-11-02. Review status: criteria provided, single submitter. Criteria: Invitae Variant Classification Sherloc (09022015). Collection method: clinical testing. Allele origin: germline.

PreventionGenetics, part of Exact Sciences
Classification: Likely benign for KMT2D-related condition. Last evaluated: 2023-05-23. Review status: no assertion criteria provided. Collection method: clinical testing. Allele origin: germline. Not counted in ClinVar's aggregate classification.
Comment: This variant is classified as likely benign based on ACMG/AMP sequence variant interpretation guidelines (Richards et al. 2015 PMID: 25741868, with internal and published modifications).